The following is an entry in ClinVar:

ClinVar aggregate classification (germline): Uncertain significance. Review status: criteria provided, multiple submitters, no conflicts (2 of 4 stars). 2 submissions from 2 submitters: Uncertain significance (2). Last evaluated 2024-12-04.

Conditions:
Neurofibromatosis, type 2 (SWNV). Also called: BILATERAL ACOUSTIC NEUROFIBROMATOSIS; SCHWANNOMATOSIS, VESTIBULAR; NF2-Related Schwannomatosis. Identifiers: Orphanet 637, MedGen C0027832, MONDO:0007039, OMIM 101000. Disease mechanism: loss of function.
Hereditary cancer-predisposing syndrome. Also called: Tumor predisposition; Hereditary Cancer Syndrome; Neoplastic Syndromes, Hereditary; Hereditary neoplastic syndrome. Identifiers: Orphanet 140162, MedGen C0027672, MeSH D009386, MONDO:0015356.

Submissions (2):

Ambry Genetics
Classification: Uncertain significance for Hereditary cancer-predisposing syndrome. Last evaluated: 2024-12-04. Review status: criteria provided, single submitter. Criteria: Ambry Variant Classification Scheme 2023. Collection method: clinical testing. Allele origin: germline.
Comment: The c.12_13delCAinsTG variant (also known as p.I5V), located in coding exon 1 of the NF2 gene, results from an in-frame deletion of CA and insertion of TG at nucleotide positions 12 to 13. This results in the substitution of the isoleucine residue for a valine residue at codon 5, an amino acid with highly similar properties. This amino acid position is highly conserved in available vertebrate species. In addition, this alteration is predicted to be neutral by in silico analysis (Choi Y et al. PLoS ONE. 2012; 7(10):e46688). Based on the available evidence, the clinical significance of this variant remains unclear.

Labcorp Genetics (formerly Invitae), Labcorp
Classification: Uncertain significance for Neurofibromatosis, type 2. Last evaluated: 2023-08-10. Review status: criteria provided, single submitter. Criteria: Invitae Variant Classification Sherloc (09022015). Collection method: clinical testing. Allele origin: germline.
Comment: In summary, the available evidence is currently insufficient to determine the role of this variant in disease. Therefore, it has been classified as a Variant of Uncertain Significance. Experimental studies and prediction algorithms are not available or were not evaluated, and the functional significance of this variant is currently unknown. ClinVar contains an entry for this variant (Variation ID: 968053). This variant has not been reported in the literature in individuals affected with NF2-related conditions. Information on the frequency of this variant in the gnomAD database is not available, as this variant may be reported differently in the database. This sequence change replaces isoleucine, which is neutral and non-polar, with valine, which is neutral and non-polar, at codon 5 of the NF2 protein (p.Ile5Val).

NM_000268.4(NF2):c.12_13inv (p.Ile5Val)

Gene: NF2 (NF2, moesin-ezrin-radixin like (MERLIN) tumor suppressor; plus strand). Cytogenetic location: 22q12.2.
Variant type: Inversion.
Coding change: c.12_13inv on transcript NM_000268.4 (MANE Select).
Protein change: p.Ile5Val; replaces isoleucine 5 with valine.
Molecular consequence: missense variant. On other transcripts: non-coding transcript variant (1).
Genome position: GRCh38 VCF-style: chr22-29604010-CA-TG. GRCh37 (hg19) VCF-style: chr22-29999999-CA-TG.
Other names: c.12_13delCAinsTG (NM_000268.3); c.12_13inv, p.Ile5Val (NM_016418.5, NM_181825.3, NM_181828.3 and 5 more transcripts); short protein forms I5V.
Identifiers: ClinVar variation 968053 (VCV000968053.11), ClinGen allele CA1139667029.